The following is an entry in ClinVar:

NM_007294.4(BRCA1):c.59A>C (p.Lys20Thr)

Gene: BRCA1 (BRCA1 DNA repair associated; minus strand). Cytogenetic location: 17q21.31.
Variant type: single nucleotide variant.
Coding change: c.59A>C on transcript NM_007294.4 (MANE Select); coding-DNA position 59, A replaced by C.
Protein change: p.Lys20Thr; replaces lysine 20 with threonine.
Molecular consequence: missense variant. On other transcripts: 5 prime UTR variant (1), non-coding transcript variant (1).
Genome position (GRCh38, 1-based): chr17:43,124,038, T>G on the plus strand (A>C on the coding strand, the complement: BRCA1 is on the minus strand). VCF-style: chr17-43124038-T-G. GRCh37 (hg19) VCF-style: chr17-41276055-T-G.
Other names: c.-130A>C (NM_001407571.1, NM_001407853.1, NM_001407879.1 and 46 more transcripts); c.59A>C, p.Lys20Thr (NM_001407581.1, NM_001407582.1, NM_001407583.1 and 193 more transcripts); c.-202A>C (NM_001407725.1, NM_001407730.1, NM_001407734.1 and 22 more transcripts); c.-148A>C (NM_001407726.1, NM_001407751.1); c.-199A>C (NM_001407727.1, NM_001407731.1, NM_001407733.1 and 11 more transcripts); c.-29A>C (NM_001407732.1, NM_001407736.1, NM_001407738.1 and 23 more transcripts); c.-206A>C (NM_001407741.1, NM_001407934.1, NM_001408497.1); c.-79A>C (NM_001407841.1); and 8 more; short protein forms K20T.
Identifiers: ClinVar variation 868745 (VCV000868745.3), dbSNP rs2055724752, ClinGen allele CA10602038.
Genomic context (GRCh38, chr17:43,124,038, plus strand): 5'-ATAGGAATCCCAAATTAATACACTCTTGTGCTGACTTACCAGATGGGACACTCTAAGATT[T>G]TCTGCATAGCATTAATGACATTTTGTACTTCTTCAACGCGAAGAGCAGATAAATCCATTT-3'
Protein context (NP_009225.1, residues 10-30): EVQNVINAMQ[Lys20Thr]ILECPICLEL

Conditions:
Breast-ovarian cancer, familial, susceptibility to, 1 (BROVCA1). Also called: BRCA1 Hereditary Breast and Ovarian Cancer; OVARIAN CANCER, SUSCEPTIBILITY TO. Identifiers: Orphanet 145, MedGen C2676676, MONDO:0011450, OMIM 604370. Disease mechanism: loss of function.

Submission:

Brotman Baty Institute, University of Washington
No classification provided (evidence only). Condition: Breast-ovarian cancer, familial 1. Review status: no classification provided. Collection method: in vitro. Allele origin: not applicable. Functional consequence: functionally_normal.
ClinVar note: "not provided" was previously submitted as the classification for the variant. However, the classification appeared to be based only on an observation of functional data so it was converted to no classification on 2025-07-30.